The following is an entry in ClinVar:

NM_001369.3(DNAH5):c.7998G>T (p.Glu2666Asp)

Gene: DNAH5 (dynein axonemal heavy chain 5; minus strand). Cytogenetic location: 5p15.2.
Variant type: single nucleotide variant.
Coding change: c.7998G>T on transcript NM_001369.3 (MANE Select); coding-DNA position 7998, G replaced by T.
Protein change: p.Glu2666Asp; replaces glutamic acid 2666 with aspartic acid.
Molecular consequence: missense variant.
Genome position (GRCh38, 1-based): chr5:13,793,948, C>A on the plus strand (G>T on the coding strand, the complement: DNAH5 is on the minus strand). VCF-style: chr5-13793948-C-A. GRCh37 (hg19) VCF-style: chr5-13794057-C-A.
Other names: short protein forms E2666D.
Identifiers: ClinVar variation 188229 (VCV000188229.62), dbSNP rs148720124, ClinGen allele CA334386.

ClinVar aggregate classification (germline): Conflicting classifications of pathogenicity. Review status: criteria provided, conflicting classifications (1 of 4 stars). 11 submissions from 11 submitters: Uncertain significance (3); Benign (1); Likely benign (4). 3 of the submissions do not count toward it. Last evaluated 2026-02-01.

Conditions:
DNAH5-related disorder. Also called: DNAH5-related condition.
Primary ciliary dyskinesia. Also called: Ciliary dyskinesia. Identifiers: Orphanet 244, MedGen C0008780, MONDO:0016575, HP:0012265.
Primary ciliary dyskinesia 3. Identifiers: Orphanet 244, MedGen C1837618, MONDO:0012085, OMIM 608644.

Allele frequency attached by ClinVar (database versions not stated): 1000 Genomes Project 30x 0.00078; 1000 Genomes Project 0.00080; gnomAD exomes 0.00122; ExAC 0.00124; TOPMed 0.00124; gnomAD 0.00137 and 0.00139; ESP Exome Variant Server 0.00215.
gnomAD v4.1: 3,632 of 1,613,962 alleles (0.23%); highest among the groups gnomAD compares: Non-Finnish European, 0.28%; 16 homozygotes.

Submissions (11):

CeGaT Center for Human Genetics Tuebingen
Classification: Likely benign. Last evaluated: 2026-02-01. Review status: criteria provided, single submitter. Criteria: CeGaT Center For Human Genetics Tuebingen Variant Classification Criteria Version 2. Collection method: clinical testing. Allele origin: germline. Affected: yes. Observed: 6 variant alleles.
Comment: DNAH5: BS2

Labcorp Genetics (formerly Invitae), Labcorp
Classification: Benign for Primary ciliary dyskinesia. Last evaluated: 2026-01-27. Review status: criteria provided, single submitter. Criteria: Invitae Variant Classification Sherloc (09022015). Collection method: clinical testing. Allele origin: germline.

Blueprint Genetics
Classification: Likely benign. Last evaluated: 2024-11-07. Review status: criteria provided, single submitter. Criteria: ACMG Guidelines, 2015. Collection method: clinical testing. Allele origin: germline.

GeneDx
Classification: Uncertain significance. Last evaluated: 2024-08-09. Review status: criteria provided, single submitter. Criteria: GeneDx Variant Classification Process June 2021. Collection method: clinical testing. Allele origin: germline. Affected: yes.
Comment: Identified in a patient with idiopathic isolated asthenozoospermia in published literature and to our knowledge has not been published as pathogenic or benign in patients with primary ciliary dyskinesia (PMID: 18492703); In silico analysis supports that this missense variant has a deleterious effect on protein structure/function; This variant is associated with the following publications: (PMID: 30198353, 18492703)

ARUP Laboratories, Molecular Genetics and Genomics, ARUP Laboratories
Classification: Likely benign for Primary ciliary dyskinesia 3. Last evaluated: 2023-10-26. Review status: criteria provided, single submitter. Criteria: ARUP Molecular Germline Variant Investigation Process 2024. Collection method: clinical testing. Allele origin: germline.

Ambry Genetics
Classification: Likely benign for Primary ciliary dyskinesia. Last evaluated: 2021-03-07. Review status: criteria provided, single submitter. Criteria: Ambry Variant Classification Scheme 2023. Collection method: clinical testing. Allele origin: germline.

Illumina Laboratory Services, Illumina
Classification: Uncertain significance for Primary ciliary dyskinesia 3. Last evaluated: 2017-04-27. Review status: criteria provided, single submitter. Criteria: ICSL Variant Classification Criteria 13 December 2019. Collection method: clinical testing. Allele origin: germline.
Comment: This variant was observed as part of a predisposition screen in an ostensibly healthy population. A literature search was performed for the gene, cDNA change, and amino acid change (where applicable). Publications were found based on this search. However, the evidence from the literature, in combination with allele frequency data from public databases where available, was not sufficient to rule this variant in or out of causing disease. Therefore, this variant is classified as a variant of unknown significance.

Laboratory for Molecular Medicine, Mass General Brigham Personalized Medicine
Classification: Uncertain significance. Last evaluated: 2015-06-05. Review status: criteria provided, single submitter. Criteria: LMM Criteria. Collection method: clinical testing. Allele origin: germline. Observed: 1 variant allele.
Comment: Variant classified as Uncertain Significance - Favor Benign. It has also been identified in 0.2% ( 115/66240) of European chromosomes by the Exome Aggregation Consortium (ExAC; dbSNP rs148720124). Computational prediction tools and conservation analysis do not provide strong support for or against an impac t to the protein. In summary, while the clinical significance of the p.Glu2666As p variant is uncertain, its frequency suggests that it is more likely to be beni gn.

PreventionGenetics, part of Exact Sciences
Classification: Likely benign for DNAH5-related condition. Last evaluated: 2024-07-17. Review status: no assertion criteria provided. Collection method: clinical testing. Allele origin: germline. Not counted in ClinVar's aggregate classification.
Comment: This variant is classified as likely benign based on ACMG/AMP sequence variant interpretation guidelines (Richards et al. 2015 PMID: 25741868, with internal and published modifications).

Natera, Inc.
Classification: Likely benign for Primary ciliary dyskinesia. Last evaluated: 2020-06-09. Review status: no assertion criteria provided. Collection method: clinical testing. Allele origin: germline. Not counted in ClinVar's aggregate classification.

Counsyl
Classification: Uncertain significance for Primary ciliary dyskinesia 3. Last evaluated: 2017-03-06. Review status: no assertion criteria provided. Collection method: clinical testing. Allele origin: unknown. Not counted in ClinVar's aggregate classification.

Literature cited by the submitters: PubMed 18492703 (cited by 4 submitters).